The following is an entry in ClinVar:

ClinVar aggregate classification (germline): Likely benign. Review status: criteria provided, multiple submitters, no conflicts (2 of 4 stars). 7 submissions from 7 submitters: Likely benign (7). Last evaluated 2025-09-24.

Conditions:
Inborn genetic diseases. Identifiers: MedGen C0950123, MeSH D030342.
Developmental and epileptic encephalopathy, 18 (DEE18). Also called: Early infantile epileptic encephalopathy 18. Identifiers: Orphanet 369894, MedGen C3809624, MONDO:0014201, OMIM 615476.

Allele frequency attached by ClinVar (database versions not stated): gnomAD exomes 0.00022 and 0.00051; ExAC 0.00037; gnomAD 0.00046 and 0.00044; ESP Exome Variant Server 0.00040; TOPMed 0.00040.
gnomAD v4.1: 762 of 1,553,136 alleles (0.049%); highest among the groups gnomAD compares: Non-Finnish European, 0.063%; 2 homozygotes.

Submissions (7):

Labcorp Genetics (formerly Invitae), Labcorp
Classification: Likely benign. Last evaluated: 2025-09-24. Review status: criteria provided, single submitter. Criteria: Invitae Variant Classification Sherloc (09022015). Collection method: clinical testing. Allele origin: germline.

Blueprint Genetics
Classification: Likely benign. Last evaluated: 2024-10-15. Review status: criteria provided, single submitter. Criteria: ACMG Guidelines, 2015. Collection method: clinical testing. Allele origin: germline.

ARUP Laboratories, Molecular Genetics and Genomics, ARUP Laboratories
Classification: Likely benign for Developmental and epileptic encephalopathy, 18. Last evaluated: 2024-08-29. Review status: criteria provided, single submitter. Criteria: ARUP Molecular Germline Variant Investigation Process 2024. Collection method: clinical testing. Allele origin: germline.

CeGaT Center for Human Genetics Tuebingen
Classification: Likely benign. Last evaluated: 2023-08-01. Review status: criteria provided, single submitter. Criteria: CeGaT Center For Human Genetics Tuebingen Variant Classification Criteria Version 2. Collection method: clinical testing. Allele origin: germline. Affected: yes. Observed: 1 variant allele.
Comment: SZT2: BP4, BP7

Genome-Nilou Lab
Classification: Likely benign for Developmental and epileptic encephalopathy, 18. Last evaluated: 2023-04-11. Review status: criteria provided, single submitter. Criteria: ACMG Guidelines, 2015. Collection method: clinical testing. Allele origin: germline. Affected: no.

GeneDx
Classification: Likely benign. Last evaluated: 2020-01-28. Review status: criteria provided, single submitter. Criteria: GeneDx Variant Classification Process June 2021. Collection method: clinical testing. Allele origin: germline. Affected: yes.

Ambry Genetics
Classification: Likely benign for Inborn genetic diseases. Last evaluated: 2016-05-12. Review status: criteria provided, single submitter. Criteria: Ambry Variant Classification Scheme 2023. Collection method: clinical testing. Allele origin: germline.

NM_001365999.1(SZT2):c.9828C>T (p.Asp3276=)

Genes: SZT2 (SZT2 subunit of KICSTOR complex; plus strand), SZT2-AS1 (SZT2 antisense RNA 1; minus strand). Cytogenetic location: 1p34.2.
Variant type: single nucleotide variant.
Coding change: c.9828C>T on transcript NM_001365999.1 (MANE Select); coding-DNA position 9828, C replaced by T.
Protein change: p.Asp3276=; no amino-acid change (aspartic acid 3276 retained).
Molecular consequence: synonymous variant. On other transcripts: non-coding transcript variant (1).
Genome position (GRCh38, 1-based): chr1:43,448,343, C>T. VCF-style: chr1-43448343-C-T. GRCh37 (hg19) VCF-style: chr1-43914014-C-T.
Other names: c.9657C>T, p.Asp3219= (NM_015284.4).
Identifiers: ClinVar variation 587837 (VCV000587837.44), dbSNP rs12756587, ClinGen allele CA811018.